The following is an entry in ClinVar:

NM_001080517.3(SETD5):c.2347-14C>T

Gene: SETD5 (SET domain containing 5; plus strand). Cytogenetic location: 3p25.3.
Variant type: single nucleotide variant.
Coding change: c.2347-14C>T on transcript NM_001080517.3 (MANE Select); 14 bases into the intron before coding-DNA position 2347, C replaced by T.
Molecular consequence: intron variant.
Genome position (GRCh38, 1-based): chr3:9,453,725, C>T. VCF-style: chr3-9453725-C-T. GRCh37 (hg19) VCF-style: chr3-9495409-C-T.
Other names: c.2053-14C>T (NM_001349451.2, NM_001292043.2).
Identifiers: ClinVar variation 1241185 (VCV001241185.37), dbSNP rs200975171, ClinGen allele CA2239428.

ClinVar aggregate classification (germline): Benign/Likely benign. Review status: criteria provided, multiple submitters, no conflicts (2 of 4 stars). 4 submissions from 4 submitters: Benign (3); Likely benign (1). Last evaluated 2026-07-01.

Allele frequency attached by ClinVar (database versions not stated): 1000 Genomes Project 30x 0.00031; 1000 Genomes Project 0.00040; gnomAD 0.00092 and 0.00104; TOPMed 0.00107; ESP Exome Variant Server 0.00127.
gnomAD v4.1: 1,914 of 1,570,484 alleles (0.12%); highest among the groups gnomAD compares: Middle Eastern, 0.43%; 3 homozygotes.

Submissions (4):

CeGaT Center for Human Genetics Tuebingen
Classification: Likely benign. Last evaluated: 2026-07-01. Review status: criteria provided, single submitter. Criteria: CeGaT Center For Human Genetics Tuebingen Variant Classification Criteria Version 2. Collection method: clinical testing. Allele origin: germline. Affected: yes. Observed: 18 variant alleles.
Comment: SETD5: BS1

Labcorp Genetics (formerly Invitae), Labcorp
Classification: Benign. Last evaluated: 2026-02-03. Review status: criteria provided, single submitter. Criteria: Invitae Variant Classification Sherloc (09022015). Collection method: clinical testing. Allele origin: germline.

GeneDx
Classification: Benign. Last evaluated: 2020-09-20. Review status: criteria provided, single submitter. Criteria: GeneDx Variant Classification Process June 2021. Collection method: clinical testing. Allele origin: germline. Affected: yes.

Breakthrough Genomics
Classification: Benign. Review status: criteria provided, single submitter. Criteria: ACMG Guidelines, 2015. Collection method: not provided. Allele origin: germline. Inheritance: Autosomal dominant inheritance. Affected: yes.